The following is an entry in ClinVar:

ClinVar aggregate classification (germline): Pathogenic (1 of 4 stars; one submission).

Conditions:
Acid sphingomyelinase deficiency. Identifiers: Orphanet 618899, MedGen C5243927, MONDO:0100464.

Submission:

Myriad Genetics, Inc.
Classification: Pathogenic for Acid sphingomyelinase deficiency. Last evaluated: 2023-08-22. Review status: criteria provided, single submitter. Criteria: Myriad Autosomal Dominant, Autosomal Recessive and X-Linked Classification Criteria (2023). Collection method: clinical testing. Allele origin: unknown.
Comment: NM_000543.4(SMPD1):c.568_569ins16(P190Lfs*8) is expected to be pathogenic in the context of Niemann-Pick disease, SMPD1-related. This variant is predicted to lead to an abnormal or absent protein product due to the creation of a premature termination codon in SMPD1, a gene where loss-of-function variants are known to be pathogenic. Please note: this variant was assessed in the context of healthy population screening.

NM_000543.5(SMPD1):c.568_569insTGTCTCTTATACACAT (p.Pro190fs)

Gene: SMPD1 (sphingomyelin phosphodiesterase 1; plus strand). Cytogenetic location: 11p15.4.
Variant type: Insertion.
Coding change: c.568_569insTGTCTCTTATACACAT on transcript NM_000543.5 (MANE Select); coding-DNA positions 568 to 569, TGTCTCTTATACACAT inserted.
Protein change: p.Pro190fs; shifts the reading frame from proline 190.
Molecular consequence: frameshift variant. On other transcripts: 5 prime UTR variant (1), non-coding transcript variant (1).
Genome position: GRCh38 VCF-style: chr11-6391633-C-CTGTCTCTTATACACAT. GRCh37 (hg19) VCF-style: chr11-6412863-C-CTGTCTCTTATACACAT.
Other names: c.565_566insTGTCTCTTATACACAT, p.Pro189fs (NM_001007593.3); c.568_569insTGTCTCTTATACACAT, p.Pro190fs (NM_001318087.2, NM_001365135.2); c.-394_-393insTGTCTCTTATACACAT (NM_001318088.2); short protein forms P189fs, P190fs.
Identifiers: ClinVar variation 5011461 (VCV005011461.1).
Genomic context (GRCh38, chr11:6,391,633, plus strand): 5'-TGGGACATTTTCTCATCTTGGAACATCTCTTTGCCTACTGTGCCGAAGCCGCCCCCCAAA[C>CTGTCTCTTATACACAT]CCCCTAGCCCCCCAGCCCCAGGTGCCCCTGTCAGCCGCATCCTCTTCCTCACTGACCTGC-3'